The following is an entry in ClinVar:

ClinVar aggregate classification (germline): Uncertain significance (1 of 4 stars; one submission).

Allele frequency attached by ClinVar (database versions not stated): gnomAD exomes below 0.00001; TOPMed below 0.00001.
gnomAD v4.1: 1 of 1,614,198 alleles (0.000062%); highest among the groups gnomAD compares: Non-Finnish European, 0.000085%; no homozygotes.

Submission:

Labcorp Genetics (formerly Invitae), Labcorp
Classification: Uncertain significance. Last evaluated: 2025-07-14. Review status: criteria provided, single submitter. Criteria: Invitae Variant Classification Sherloc (09022015). Collection method: clinical testing. Allele origin: germline.
Comment: This sequence change replaces methionine, which is neutral and non-polar, with valine, which is neutral and non-polar, at codon 937 of the ARID1A protein (p.Met937Val). This variant is not present in population databases (gnomAD no frequency). This variant has not been reported in the literature in individuals affected with ARID1A-related conditions. ClinVar contains an entry for this variant (Variation ID: 2140445). Invitae Evidence Modeling of protein sequence and biophysical properties (such as structural, functional, and spatial information, amino acid conservation, physicochemical variation, residue mobility, and thermodynamic stability) has been performed for this missense variant. However, the output from this modeling did not meet the statistical confidence thresholds required to predict the impact of this variant on ARID1A protein function. In summary, the available evidence is currently insufficient to determine the role of this variant in disease. Therefore, it has been classified as a Variant of Uncertain Significance.

NM_006015.6(ARID1A):c.2809A>G (p.Met937Val)

Gene: ARID1A (AT-rich interaction domain 1A; plus strand). Cytogenetic location: 1p36.11.
Variant type: single nucleotide variant.
Coding change: c.2809A>G on transcript NM_006015.6 (MANE Select); coding-DNA position 2809, A replaced by G.
Protein change: p.Met937Val; replaces methionine 937 with valine.
Molecular consequence: missense variant.
Genome position (GRCh38, 1-based): chr1:26,766,297, A>G. VCF-style: chr1-26766297-A-G. GRCh37 (hg19) VCF-style: chr1-27092788-A-G.
Other names: c.2809A>G, p.Met937Val (NM_139135.4); short protein forms M937V.
Identifiers: ClinVar variation 2140445 (VCV002140445.4), dbSNP rs2081038762, ClinGen allele CA339160649.